The following is an entry in ClinVar:

ClinVar aggregate classification (germline): Pathogenic (1 of 4 stars; one submission).

Submission:

Labcorp Genetics (formerly Invitae), Labcorp
Classification: Pathogenic. Last evaluated: 2025-12-04. Review status: criteria provided, single submitter. Criteria: Invitae Variant Classification Sherloc (09022015). Collection method: clinical testing. Allele origin: germline.
Comment: This sequence change creates a premature translational stop signal (p.Glu1563*) in the MPDZ gene. It is expected to result in an absent or disrupted protein product. Loss-of-function variants in MPDZ are known to be pathogenic (PMID: 23240096, 28556411). This variant is not present in population databases (gnomAD no frequency). This variant has not been reported in the literature in individuals affected with MPDZ-related conditions. Algorithms developed to predict the effect of sequence changes on RNA splicing suggest that this variant may disrupt the consensus splice site. For these reasons, this variant has been classified as Pathogenic.

Literature cited by the submitters: PubMed 23240096; PubMed 28556411.

NM_001378778.1(MPDZ):c.4687G>T (p.Glu1563Ter)

Gene: MPDZ (multiple PDZ domain crumbs cell polarity complex component; minus strand). Cytogenetic location: 9p23.
Variant type: single nucleotide variant.
Coding change: c.4687G>T on transcript NM_001378778.1 (MANE Select); coding-DNA position 4687, G replaced by T.
Protein change: p.Glu1563Ter; replaces glutamic acid 1563 with a stop codon.
Molecular consequence: nonsense.
Genome position (GRCh38, 1-based): chr9:13,125,336, C>A on the plus strand (G>T on the coding strand, the complement: MPDZ is on the minus strand). VCF-style: chr9-13125336-C-A. GRCh37 (hg19) VCF-style: chr9-13125335-C-A.
Other names: c.4588G>T, p.Glu1530Ter (NM_001261406.2, NM_001261407.2, NM_001375416.1 and 3 more transcripts); c.4687G>T, p.Glu1563Ter (NM_001330637.2, NM_003829.5); c.4786G>T, p.Glu1596Ter (NM_001375413.1); c.4477G>T, p.Glu1493Ter (NM_001375420.1, NM_001375421.1, NM_001375422.1 and 4 more transcripts); c.4279G>T, p.Glu1427Ter (NM_001375427.1); short protein forms E1427*, E1530*, E1493*, E1563*, E1596*.
Identifiers: ClinVar variation 4732550 (VCV004732550.1).